The following is an entry in ClinVar:

NM_020937.4(FANCM):c.5340+3A>G

Gene: FANCM (FA complementation group M; plus strand). Cytogenetic location: 14q21.2.
Variant type: single nucleotide variant.
Coding change: c.5340+3A>G on transcript NM_020937.4 (MANE Select); 3 bases into the intron after coding-DNA position 5340, A replaced by G.
Molecular consequence: intron variant.
Genome position (GRCh38, 1-based): chr14:45,189,365, A>G. VCF-style: chr14-45189365-A-G. GRCh37 (hg19) VCF-style: chr14-45658568-A-G.
Other names: c.5262+3A>G (NM_001308133.2).
Identifiers: ClinVar variation 4533134 (VCV004533134.1).
Genomic context (GRCh38, chr14:45,189,365, plus strand): 5'-ACCCTTCACTACTGTTGATTCACAGAAAGACTGTAGAAAATTTCCAGTTCCACAGAAGGT[A>G]TGGATCAAAGAAAGGAAAAATATCTTTAGATGGTTACCAGAAGTTTTTCTTTTTCTTTCT-3'

ClinVar aggregate classification (germline): Uncertain significance (1 of 4 stars; one submission).

gnomAD v4.1: 12 of 1,599,966 alleles (0.00075%); highest among the groups gnomAD compares: Non-Finnish European, 0.00094%; no homozygotes.

Submission:

Quest Diagnostics Nichols Institute San Juan Capistrano
Classification: Uncertain significance. Last evaluated: 2025-09-10. Review status: criteria provided, single submitter. Criteria: Quest Diagnostics criteria. Collection method: clinical testing. Allele origin: unknown.
Comment: The FANCM c.5340+3A>G variant has not been reported in individuals with FANCM-related conditions in the published literature. This variant also has not been reported in large, multi-ethnic general populations (Genome Aggregation Database). Analysis of this variant using software algorithms for the prediction of the effect of nucleotide changes on splicing yielded predictions that this variant may affect proper FANCM mRNA splicing. Based on the available information, we are unable to determine the clinical significance of this variant.